The following is an entry in ClinVar:

NM_020928.2(ZSWIM6):c.557C>T (p.Ala186Val)

Gene: ZSWIM6 (zinc finger SWIM-type containing 6; plus strand). Cytogenetic location: 5q12.1.
Variant type: single nucleotide variant.
Coding change: c.557C>T on transcript NM_020928.2 (MANE Select); coding-DNA position 557, C replaced by T.
Protein change: p.Ala186Val; replaces alanine 186 with valine.
Molecular consequence: missense variant.
Genome position (GRCh38, 1-based): chr5:61,332,829, C>T. VCF-style: chr5-61332829-C-T. GRCh37 (hg19) VCF-style: chr5-60628656-C-T.
Other names: c.557C>T (NM_020928.1); short protein forms A186V.
Identifiers: ClinVar variation 1629183 (VCV001629183.39), dbSNP rs776194131, ClinGen allele CA119631701.
Genomic context (GRCh38, chr5:61,332,829, plus strand): 5'-CAACCTCGGCCGCCGCCGCCGCTGCCGCCGCCGCCGCCGCCGCCGCCGCCGCCGCGGGGG[C>T]CGGGGCCCCGTCGGTGGGGGCTGCCGGGGCGGCGGACGGCGGCGACGAGACGCGGCTGCC-3'
Protein context (NP_065979.1, residues 176-196): AAAAAAAAAG[Ala186Val]GAPSVGAAGA

ClinVar aggregate classification (germline): Benign/Likely benign. Review status: criteria provided, multiple submitters, no conflicts (2 of 4 stars). 5 submissions from 5 submitters: Benign (1); Likely benign (4). Last evaluated 2026-06-01.

Conditions:
Inborn genetic diseases. Identifiers: MedGen C0950123, MeSH D030342.

Allele frequency attached by ClinVar (database versions not stated): 1000 Genomes Project 30x 0.00031; gnomAD exomes 0.00059 and 0.00071; gnomAD 0.00073 and 0.00076.
gnomAD v4.1: 589 of 984,552 alleles (0.06%); highest among the groups gnomAD compares: Non-Finnish European, 0.067%; no homozygotes.

Submissions (5):

CeGaT Center for Human Genetics Tuebingen
Classification: Benign. Last evaluated: 2026-06-01. Review status: criteria provided, single submitter. Criteria: CeGaT Center For Human Genetics Tuebingen Variant Classification Criteria Version 2. Collection method: clinical testing. Allele origin: germline. Affected: yes. Observed: 11 variant alleles.
Comment: ZSWIM6: BS1, BS2

Laboratory of Genetics, Children's Clinical University Hospital Latvia
Classification: Likely benign. Last evaluated: 2025-02-16. Review status: criteria provided, single submitter. Criteria: ACMG Guidelines, 2015. Collection method: clinical testing. Allele origin: germline. Affected: yes.

Blueprint Genetics
Classification: Likely benign. Last evaluated: 2024-11-21. Review status: criteria provided, single submitter. Criteria: ACMG Guidelines, 2015. Collection method: clinical testing. Allele origin: germline.

Labcorp Genetics (formerly Invitae), Labcorp
Classification: Likely benign. Last evaluated: 2024-10-21. Review status: criteria provided, single submitter. Criteria: Invitae Variant Classification Sherloc (09022015). Collection method: clinical testing. Allele origin: germline.

Ambry Genetics
Classification: Likely benign for Inborn genetic diseases. Last evaluated: 2022-03-21. Review status: criteria provided, single submitter. Criteria: Ambry Variant Classification Scheme 2023. Collection method: clinical testing. Allele origin: germline.